The following is an entry in ClinVar:

ClinVar aggregate classification (germline): Uncertain significance. Review status: criteria provided, multiple submitters, no conflicts (2 of 4 stars). 4 submissions from 4 submitters: Uncertain significance (4). Last evaluated 2025-10-28.

Conditions:
Eichsfeld type congenital muscular dystrophy (CMYO3). Also called: MYOPATHY, SEPN1-RELATED; Rigid spine muscular dystrophy 1; SELENON-related myopathy; Congenital myopathy 3 with rigid spine. Identifiers: MedGen C0410180, MONDO:0100100, OMIM 602771.
Inborn genetic diseases. Identifiers: MedGen C0950123, MeSH D030342.

Allele frequency attached by ClinVar (database versions not stated): gnomAD 0.00001; gnomAD exomes 0.00001 and 0.00003; TOPMed 0.00001; ExAC 0.00002; 1000 Genomes Project 30x 0.00016.
gnomAD v4.1: 40 of 1,614,074 alleles (0.0025%); highest among the groups gnomAD compares: Non-Finnish European, 0.0031%; no homozygotes.

Submissions (4):

Ambry Genetics
Classification: Uncertain significance for Inborn genetic diseases. Last evaluated: 2025-10-28. Review status: criteria provided, single submitter. Criteria: Ambry Variant Classification Scheme 2023. Collection method: clinical testing. Allele origin: germline.

Revvity Omics, Revvity
Classification: Uncertain significance for Eichsfeld type congenital muscular dystrophy. Last evaluated: 2025-03-18. Review status: criteria provided, single submitter. Criteria: ACMG Guidelines, 2015. Collection method: clinical testing. Allele origin: germline.

Labcorp Genetics (formerly Invitae), Labcorp
Classification: Uncertain significance for Eichsfeld type congenital muscular dystrophy. Last evaluated: 2022-02-10. Review status: criteria provided, single submitter. Criteria: Invitae Variant Classification Sherloc (09022015). Collection method: clinical testing. Allele origin: germline.
Comment: Algorithms developed to predict the effect of sequence changes on RNA splicing suggest that this variant may create or strengthen a splice site. This sequence change replaces histidine, which is basic and polar, with arginine, which is basic and polar, at codon 536 of the SELENON protein (p.His536Arg). This variant is present in population databases (rs758653293, gnomAD 0.003%). This variant has not been reported in the literature in individuals affected with SELENON-related conditions. ClinVar contains an entry for this variant (Variation ID: 941241). Algorithms developed to predict the effect of missense changes on protein structure and function are either unavailable or do not agree on the potential impact of this missense change (SIFT: "Deleterious"; PolyPhen-2: "Probably Damaging"; Align-GVGD: "Class C0"). In summary, the available evidence is currently insufficient to determine the role of this variant in disease. Therefore, it has been classified as a Variant of Uncertain Significance.

Blueprint Genetics
Classification: Uncertain significance. Last evaluated: 2020-12-29. Review status: criteria provided, single submitter. Criteria: ACMG Guidelines, 2015. Collection method: clinical testing. Allele origin: germline.

NM_206926.2(SELENON):c.1505A>G (p.His502Arg)

Gene: SELENON (selenoprotein N; plus strand). Cytogenetic location: 1p36.11.
Variant type: single nucleotide variant.
Coding change: c.1505A>G on transcript NM_206926.2 (MANE Select); coding-DNA position 1505, A replaced by G.
Protein change: p.His502Arg; replaces histidine 502 with arginine.
Molecular consequence: missense variant.
Genome position (GRCh38, 1-based): chr1:25,815,552, A>G. VCF-style: chr1-25815552-A-G. GRCh37 (hg19) VCF-style: chr1-26142043-A-G.
Other names: c.1607A>G, p.His536Arg (NM_020451.3); short protein forms H536R, H502R.
Identifiers: ClinVar variation 941241 (VCV000941241.13), dbSNP rs758653293, ClinGen allele CA696957.
Genomic context (GRCh38, chr1:25,815,552, plus strand): 5'-CAGGGAGCCTGGGGGCCCCCCTCCGCCCCACTTGCCTCACCCGGCCCTTCTCCCAGGTCC[A>G]TCACATCAATGCCAACTACTTCTTGGACATCACCTCCGTGAAGCCCGAGGAAATCGAGAG-3'
Protein context (NP_996809.1, residues 492-512): MICLPNGTVV[His502Arg]HINANYFLDI